The following is an entry in ClinVar:

NM_000219.6(KCNE1):c.277G>T (p.Ala93Ser)

Gene: KCNE1 (potassium voltage-gated channel subfamily E regulatory subunit 1; minus strand). Cytogenetic location: 21q22.12.
Variant type: single nucleotide variant.
Coding change: c.277G>T on transcript NM_000219.6 (MANE Select); coding-DNA position 277, G replaced by T.
Protein change: p.Ala93Ser; replaces alanine 93 with serine.
Molecular consequence: missense variant.
Genome position (GRCh38, 1-based): chr21:34,449,358, C>A on the plus strand (G>T on the coding strand, the complement: KCNE1 is on the minus strand). VCF-style: chr21-34449358-C-A. GRCh37 (hg19) VCF-style: chr21-35821656-C-A.
Other names: c.277G>T, p.Ala93Ser (NM_001270403.2, NM_001270404.3, NM_001270405.3 and 4 more transcripts); short protein forms A93S.
Identifiers: ClinVar variation 3374512 (VCV003374512.2).
Genomic context (GRCh38, chr21:34,449,358, plus strand): 5'-GATGGTTTTCAACGACATAGCACGACCTGTAGCTCTCCAGGACCCGGGCCTGGACATAGG[C>A]CTTGTCCTTCTCTTGCCAGGCATCGGACTCGATGTAGACGTTGAATGGGTCGTTCGAGTG-3'
Protein context (NP_000210.2, residues 83-103): ESDAWQEKDK[Ala93Ser]YVQARVLESY

Conditions:
Long QT syndrome 5 (LQT5). Identifiers: Orphanet 101016, Orphanet 768, MedGen C1867904, MONDO:0013372, OMIM 613695.

Submission:

Roden Lab, Vanderbilt University Medical Center
No classification provided (evidence only). Condition: Long QT syndrome 5. Review status: no classification provided. Collection method: in vitro. Allele origin: not applicable. Functional consequence: Effect on ion channel function.
ClinVar note: "not provided" was previously submitted as the classification for the variant. However, the classification appeared to be based only on an observation of functional data so it was converted to no classification on 2025-07-30.